The following is an entry in ClinVar:

ClinVar aggregate classification (germline): Uncertain significance. Review status: criteria provided, single submitter (1 of 4 stars). 2 submissions from 2 submitters: Uncertain significance (1). 1 of the submissions does not count toward it. Last evaluated 2022-09-16.

Conditions:
ANKRD11-related disorder. Also called: ANKRD11-related condition.
KBG syndrome (KBGS). Also called: ANKRD11-Related KBG Syndrome. Identifiers: Orphanet 2332, MedGen C0220687, MONDO:0007846, OMIM 148050.

Allele frequency attached by ClinVar (database versions not stated): TOPMed below 0.00001; gnomAD exomes below 0.00001.
gnomAD v4.1: 1 of 1,610,952 alleles (0.000062%); highest among the groups gnomAD compares: Non-Finnish European, 0.000085%; no homozygotes.

Submissions (2):

Labcorp Genetics (formerly Invitae), Labcorp
Classification: Uncertain significance for KBG syndrome. Last evaluated: 2022-09-16. Review status: criteria provided, single submitter. Criteria: Invitae Variant Classification Sherloc (09022015). Collection method: clinical testing. Allele origin: germline.
Comment: This variant is not present in population databases (gnomAD no frequency). In summary, the available evidence is currently insufficient to determine the role of this variant in disease. Therefore, it has been classified as a Variant of Uncertain Significance. Advanced modeling of protein sequence and biophysical properties (such as structural, functional, and spatial information, amino acid conservation, physicochemical variation, residue mobility, and thermodynamic stability) has been performed at Invitae for this missense variant, however the output from this modeling did not meet the statistical confidence thresholds required to predict the impact of this variant on ANKRD11 protein function. This variant has not been reported in the literature in individuals affected with ANKRD11-related conditions. This sequence change replaces lysine, which is basic and polar, with glutamic acid, which is acidic and polar, at codon 2502 of the ANKRD11 protein (p.Lys2502Glu).

PreventionGenetics, part of Exact Sciences
Classification: Uncertain significance for ANKRD11-related condition. Last evaluated: 2024-07-15. Review status: no assertion criteria provided. Collection method: clinical testing. Allele origin: germline. Not counted in ClinVar's aggregate classification.
Comment: The ANKRD11 c.7504A>G variant is predicted to result in the amino acid substitution p.Lys2502Glu. To our knowledge, this variant has not been reported in the literature or in a large population database, indicating this variant is rare. At this time, the clinical significance of this variant is uncertain due to the absence of conclusive functional and genetic evidence.

NM_013275.6(ANKRD11):c.7504A>G (p.Lys2502Glu)

Gene: ANKRD11 (ankyrin repeat domain 11; minus strand). Cytogenetic location: 16q24.3.
Variant type: single nucleotide variant.
Coding change: c.7504A>G on transcript NM_013275.6 (MANE Select); coding-DNA position 7504, A replaced by G.
Protein change: p.Lys2502Glu; replaces lysine 2502 with glutamic acid.
Molecular consequence: missense variant.
Genome position (GRCh38, 1-based): chr16:89,275,158, T>C on the plus strand (A>G on the coding strand, the complement: ANKRD11 is on the minus strand). VCF-style: chr16-89275158-T-C. GRCh37 (hg19) VCF-style: chr16-89341566-T-C.
Other names: c.7504A>G, p.Lys2502Glu (NM_001256182.2, NM_001256183.2); c.7504A>G (NM_013275.5); short protein forms K2502E.
Identifiers: ClinVar variation 2147146 (VCV002147146.5), dbSNP rs1350510474, ClinGen allele CA397147915.